The following is an entry in ClinVar:

NM_001267550.2(TTN):c.33791C>T (p.Pro11264Leu)

Gene: TTN (titin; minus strand). Cytogenetic location: 2q31.2.
Variant type: single nucleotide variant.
Coding change: c.33791C>T on transcript NM_001267550.2 (MANE Select); coding-DNA position 33791, C replaced by T.
Protein change: p.Pro11264Leu; replaces proline 11264 with leucine.
Molecular consequence: missense variant. On other transcripts: intron variant (3).
Genome position (GRCh38, 1-based): chr2:178,678,782, G>A on the plus strand (C>T on the coding strand, the complement: TTN is on the minus strand). VCF-style: chr2-178678782-G-A. GRCh37 (hg19) VCF-style: chr2-179543509-G-A.
Other names: c.32840C>T, p.Pro10947Leu (NM_001256850.1); c.30059C>T, p.Pro10020Leu (NM_133378.4); c.13283-36465C>T (NM_003319.4); c.13859-36465C>T (NM_133437.4); c.13658-36465C>T (NM_133432.3); short protein forms P10020L, P10947L, P11264L.
Identifiers: ClinVar variation 994369 (VCV000994369.11), dbSNP rs1336824666, ClinGen allele CA349533315.

ClinVar aggregate classification (germline): Uncertain significance. Review status: criteria provided, multiple submitters, no conflicts (2 of 4 stars). 3 submissions from 3 submitters: Uncertain significance (3). Last evaluated 2021-10-22.

Conditions:
Hypertrophic cardiomyopathy 9. Also called: Familial hypertrophic cardiomyopathy 9. Identifiers: MedGen C1861065, MONDO:0013412, OMIM 613765.
Early-onset myopathy with fatal cardiomyopathy (CMYO5). Also called: CONGENITAL MYOPATHY 5 WITH CARDIOMYOPATHY; Salih Myopathy. Identifiers: Orphanet 289377, MedGen C2673677, MONDO:0012714, OMIM 611705. Disease mechanism: loss of function.
Myopathy, myofibrillar, 9, with early respiratory failure (MFM9). Also called: EDSTROM MYOPATHY; MYOPATHY, PROXIMAL, WITH EARLY RESPIRATORY MUSCLE INVOLVEMENT; Hereditary myopathy with early respiratory failure; Myopathy, distal, with early respiratory failure, autosomal dominant. Identifiers: Orphanet 178464, Orphanet 34521, MedGen C1863599, MONDO:0011362, OMIM 603689.
Tibial muscular dystrophy (TMD). Also called: Tibial muscular dystrophy, tardive; UDD MYOPATHY; Udd Distal Myopathy – Tibial Muscular Dystrophy. Identifiers: Orphanet 609, MedGen C1838244, MONDO:0010870, OMIM 600334.
Dilated cardiomyopathy 1G (CMD1G). Identifiers: Orphanet 154, MedGen C1858763, MONDO:0011400, OMIM 604145.
Autosomal recessive limb-girdle muscular dystrophy type 2J (LGMDR10). Also called: Limb-girdle muscular dystrophy, type 2J; MUSCULAR DYSTROPHY, LIMB-GIRDLE, AUTOSOMAL RECESSIVE 10. Identifiers: Orphanet 140922, MedGen C1837342, MONDO:0012127, OMIM 608807.

Allele frequency attached by ClinVar (database versions not stated): gnomAD exomes below 0.00001; TOPMed below 0.00001; gnomAD 0.00001.
gnomAD v4.1: 9 of 1,604,932 alleles (0.00056%); highest among the groups gnomAD compares: Non-Finnish European, 0.00076%; no homozygotes.

Submissions (3):

Fulgent Genetics
Classification: Uncertain significance for Tibial muscular dystrophy; Myopathy, myofibrillar, 9, with early respiratory failure; Dilated cardiomyopathy 1G; Autosomal recessive limb-girdle muscular dystrophy type 2J; Early-onset myopathy with fatal cardiomyopathy; Hypertrophic cardiomyopathy 9. Last evaluated: 2021-10-22. Review status: criteria provided, single submitter. Criteria: ACMG Guidelines, 2015. Collection method: clinical testing. Allele origin: unknown.

ARUP Laboratories, Molecular Genetics and Genomics, ARUP Laboratories
Classification: Uncertain significance. Last evaluated: 2020-06-30. Review status: criteria provided, single submitter. Criteria: ARUP Molecular Germline Variant Investigation Process. Collection method: clinical testing. Allele origin: germline.
Comment: The TTN c.33791C>T; p.Pro11264Leu variant (rs1336824666) is rare in the general population (<1% allele frequency in the Genome Aggregation Database) and has not been reported in the medical literature in association with dilated cardiomyopathy (DCM) or other TTN-related disease. The clinical relevance of rare missense variants in this gene, which are identified on average once per individual sequenced in affected populations (Herman 2012), is not well understood. Yet, evidence suggests that the vast majority of such missense variants do not contribute to the clinical outcome of DCM (Begay 2015). Thus, the clinical significance of the p.Pro11264Leu variant cannot be determined with certainty. Pathogenic variants in the TTN gene are inherited both in an autosomal dominant and autosomal recessive manner and have been reported to cause a wide range of clinical phenotypes. TTN-associated conditions with cardiac manifestations include autosomal dominant dilated cardiomyopathy 1G (MIM: 604145), autosomal dominant familial hypertrophic cardiomyopathy 9 (MIM: 613765), and autosomal recessive Salih myopathy (MIM: 611705). Other genetic and/or environmental factors may influence the clinical phenotype. For recent information about properties and function of the titin protein see review authored by Linke and Hamdani (2014). References: Begay RL et al. Role of Titin Missense Variants in Dilated Cardiomyopathy. J Am Heart Assoc. 2015 Nov 13;4(11). Herman DS et al. Truncations of titin causing dilated cardiomyopathy. N Engl J Med. 2012 Feb 16;366(7):619-28. Linke WA and Hamdani N. Gigantic business: titin properties and function through thick and thin. Circ Res 2014; 114(6): 1052-1068.

Revvity Omics, Revvity
Classification: Uncertain significance. Last evaluated: 2019-06-26. Review status: criteria provided, single submitter. Criteria: ACMG Guidelines, 2015. Collection method: clinical testing. Allele origin: germline.